The following is an entry in ClinVar:

NM_006059.4(LAMC3):c.4421C>T (p.Ser1474Leu)

Gene: LAMC3 (laminin subunit gamma 3; plus strand). Cytogenetic location: 9q34.12.
Variant type: single nucleotide variant.
Coding change: c.4421C>T on transcript NM_006059.4 (MANE Select); coding-DNA position 4421, C replaced by T.
Protein change: p.Ser1474Leu; replaces serine 1474 with leucine.
Molecular consequence: missense variant.
Genome position (GRCh38, 1-based): chr9:131,087,761, C>T. VCF-style: chr9-131087761-C-T. GRCh37 (hg19) VCF-style: chr9-133963148-C-T.
Other names: c.4421C>T (NM_006059.3); short protein forms S1474L.
Identifiers: ClinVar variation 1523928 (VCV001523928.6), dbSNP rs1321188909, ClinGen allele CA375266097.

ClinVar aggregate classification (germline): Uncertain significance. Review status: criteria provided, multiple submitters, no conflicts (2 of 4 stars). 2 submissions from 2 submitters: Uncertain significance (2). Last evaluated 2024-11-24.

Conditions:
Inborn genetic diseases. Identifiers: MedGen C0950123, MeSH D030342.

Allele frequency attached by ClinVar (database versions not stated): gnomAD exomes below 0.00001; TOPMed 0.00001.
gnomAD v4.1: 3 of 1,614,136 alleles (0.00019%); highest among the groups gnomAD compares: South Asian, 0.0022%; no homozygotes.

Submissions (2):

Ambry Genetics
Classification: Uncertain significance for Inborn genetic diseases. Last evaluated: 2024-11-24. Review status: criteria provided, single submitter. Criteria: Ambry Variant Classification Scheme 2023. Collection method: clinical testing. Allele origin: germline.

Labcorp Genetics (formerly Invitae), Labcorp
Classification: Uncertain significance. Last evaluated: 2022-02-04. Review status: criteria provided, single submitter. Criteria: Invitae Variant Classification Sherloc (09022015). Collection method: clinical testing. Allele origin: germline.
Comment: This sequence change replaces serine, which is neutral and polar, with leucine, which is neutral and non-polar, at codon 1474 of the LAMC3 protein (p.Ser1474Leu). This variant is not present in population databases (gnomAD no frequency). This variant has not been reported in the literature in individuals affected with LAMC3-related conditions. Algorithms developed to predict the effect of missense changes on protein structure and function (SIFT, PolyPhen-2, Align-GVGD) all suggest that this variant is likely to be tolerated. In summary, the available evidence is currently insufficient to determine the role of this variant in disease. Therefore, it has been classified as a Variant of Uncertain Significance.